The following is an entry in ClinVar:

ClinVar aggregate classification (germline): Likely pathogenic (1 of 4 stars; one submission).

Conditions:
Lysosomal acid lipase deficiency. Also called: Acid cholesteryl ester hydrolase deficiency, type 2. Identifiers: Orphanet 275761, MedGen C5574740, MONDO:0800449, MONDO:0010204.

Submission:

Natera, Inc.
Classification: Likely pathogenic for Lysosomal acid lipase deficiency. Last evaluated: 2025-04-27. Review status: criteria provided, single submitter. Criteria: Natera Variant Classification Schema (03/2026). Collection method: clinical testing. Allele origin: germline.
Comment: The c.543dup variant in LIPA is a frameshift variant predicted to shift the reading frame beginning at codon 182 and leads to a stop codon 8 codons downstream. This variant is expected to result in nonsense mediated decay, truncation, or a dysfunctional protein product. This variant is rare in the general population with a frequency below the threshold expected for the associated phenotype(s). Given the available evidence, this variant is classified as Likely Pathogenic.

NM_000235.4(LIPA):c.543dup (p.Ile182fs)

Gene: LIPA (lipase A, lysosomal acid type; minus strand). Cytogenetic location: 10q23.31.
Variant type: Duplication.
Coding change: c.543dup on transcript NM_000235.4 (MANE Select); coding-DNA position 543, one base duplicated (T; older notation c.543dupT).
Protein change: p.Ile182fs; shifts the reading frame from isoleucine 182.
Molecular consequence: frameshift variant.
Genome position (GRCh38, 1-based): chr10:89,225,224, A duplicated on the plus strand (T on the coding strand, the reverse complement: LIPA is on the minus strand); the first of 4 consecutive A bases (chr10:89,225,224-89,225,227); duplicating any one gives the same sequence. VCF-style (leftmost placement, unchanged base first): chr10-89225223-T-TA. GRCh37 (hg19) VCF-style: chr10-90984980-T-TA.
Other names: c.543dup, p.Ile182fs (NM_001127605.3); c.195dup, p.Ile66fs (NM_001288979.2); short protein forms I182fs, I66fs.
Identifiers: ClinVar variation 4069951 (VCV004069951.2).